The following is an entry in ClinVar:

ClinVar aggregate classification (germline): Uncertain significance. Review status: criteria provided, multiple submitters, no conflicts (2 of 4 stars). 2 submissions from 2 submitters: Uncertain significance (2). Last evaluated 2025-12-24.

Conditions:
Charcot-Marie-Tooth disease axonal type 2O. Also called: Charcot-Marie-Tooth Neuropathy Type 2O; CHARCOT-MARIE-TOOTH NEUROPATHY, AXONAL, TYPE 2O; CHARCOT-MARIE-TOOTH DISEASE, AXONAL, AUTOSOMAL DOMINANT, TYPE 2O; Charcot-Marie-Tooth disease, axonal, type 20. Identifiers: Orphanet 284232, MedGen C3280220, MONDO:0013644, OMIM 614228.
Inborn genetic diseases. Identifiers: MedGen C0950123, MeSH D030342.

Allele frequency attached by ClinVar (database versions not stated): gnomAD exomes below 0.00001.
gnomAD v4.1: 2 of 1,614,192 alleles (0.00012%); highest among the groups gnomAD compares: South Asian, 0.0011%; no homozygotes.

Submissions (2):

Ambry Genetics
Classification: Uncertain significance for Inborn genetic diseases. Last evaluated: 2025-12-24. Review status: criteria provided, single submitter. Criteria: Ambry Variant Classification Scheme 2023. Collection method: clinical testing. Allele origin: germline.

Labcorp Genetics (formerly Invitae), Labcorp
Classification: Uncertain significance for Charcot-Marie-Tooth disease axonal type 2O. Last evaluated: 2019-04-09. Review status: criteria provided, single submitter. Criteria: Invitae Variant Classification Sherloc (09022015). Collection method: clinical testing. Allele origin: germline.
Comment: This sequence change replaces methionine with valine at codon 3405 of the DYNC1H1 protein (p.Met3405Val). The methionine residue is highly conserved and there is a small physicochemical difference between methionine and valine. This variant is not present in population databases (ExAC no frequency). This variant has not been reported in the literature in individuals with DYNC1H1-related conditions. Algorithms developed to predict the effect of missense changes on protein structure and function are either unavailable or do not agree on the potential impact of this missense change (SIFT: "Deleterious"; PolyPhen-2: "Benign"; Align-GVGD: "Class C15"). In summary, the available evidence is currently insufficient to determine the role of this variant in disease. Therefore, it has been classified as a Variant of Uncertain Significance.

NM_001376.5(DYNC1H1):c.10213A>G (p.Met3405Val)

Gene: DYNC1H1 (dynein cytoplasmic 1 heavy chain 1; plus strand). Cytogenetic location: 14q32.31.
Variant type: single nucleotide variant.
Coding change: c.10213A>G on transcript NM_001376.5 (MANE Select); coding-DNA position 10213, A replaced by G.
Protein change: p.Met3405Val; replaces methionine 3405 with valine.
Molecular consequence: missense variant.
Genome position (GRCh38, 1-based): chr14:102,033,284, A>G. VCF-style: chr14-102033284-A-G. GRCh37 (hg19) VCF-style: chr14-102499621-A-G.
Other names: short protein forms M3405V.
Identifiers: ClinVar variation 946243 (VCV000946243.10), dbSNP rs2048531389, ClinGen allele CA391023160.